The following is an entry in ClinVar:

ClinVar aggregate classification (germline): Pathogenic (1 of 4 stars; one submission).

Conditions:
Gorlin syndrome. Also called: Nevoid Basal Cell Carcinoma Syndrome; Basal cell nevus syndrome. Identifiers: Orphanet 377, MedGen C0004779, MONDO:0007187.

Submission:

Labcorp Genetics (formerly Invitae), Labcorp
Classification: Pathogenic for Gorlin syndrome. Last evaluated: 2021-12-24. Review status: criteria provided, single submitter. Criteria: Invitae Variant Classification Sherloc (09022015). Collection method: clinical testing. Allele origin: germline.
Comment: For these reasons, this variant has been classified as Pathogenic. This variant has not been reported in the literature in individuals affected with PTCH1-related conditions. This variant is not present in population databases (gnomAD no frequency). This sequence change creates a premature translational stop signal (p.Asn915Serfs*11) in the PTCH1 gene. It is expected to result in an absent or disrupted protein product. Loss-of-function variants in PTCH1 are known to be pathogenic (PMID: 16301862, 16419085).

Literature cited by the submitters: PubMed 16301862; PubMed 16419085.

NM_000264.5(PTCH1):c.2737_2741dup (p.Asn915fs)

Gene: PTCH1 (patched 1; minus strand). Cytogenetic location: 9q22.32.
Variant type: Duplication.
Coding change: c.2737_2741dup on transcript NM_000264.5 (MANE Select); coding-DNA positions 2737 to 2741, 5 bases duplicated (ATCAT; older notation c.2737_2741dupATCAT).
Protein change: p.Asn915fs; shifts the reading frame from asparagine 915.
Molecular consequence: frameshift variant. On other transcripts: non-coding transcript variant (1).
Genome position (GRCh38, 1-based): chr9:95,459,746-95,459,750, ATGAT duplicated on the plus strand (ATCAT on the coding strand, the reverse complement: PTCH1 is on the minus strand). VCF-style (leftmost placement, unchanged base first): chr9-95459745-A-AATGAT. GRCh37 (hg19) VCF-style: chr9-98222027-A-AATGAT.
Other names: c.2539_2543dup, p.Asn849fs (NM_001083602.3); c.2734_2738dup, p.Asn914fs (NM_001083603.3); c.2284_2288dup, p.Asn764fs (NM_001083604.3, NM_001083605.3, NM_001083606.3 and 1 more transcripts); c.2581_2585dup, p.Asn863fs (NM_001354918.2); short protein forms N849fs, N863fs, N914fs, N764fs, N915fs.
Identifiers: ClinVar variation 2058447 (VCV002058447.4), dbSNP rs2538080572, ClinGen allele CA2580080786.
Genomic context (GRCh38, chr9:95,459,745, plus strand): 5'-ATACGCGACGGGGTCGTTGCTGACCCAAGCCGTCAGGTAGATGTAGAAAGCGCTGGGATT[A>AATGAT]ATGATGCCATCTGCATCCACCAGACGCTGTTTAGTCAACTACAAAAACGGGAAGAACAGA-3'